The following is an entry in ClinVar:

NM_003280.3(TNNC1):c.328G>T (p.Gly110Cys)

Gene: TNNC1 (troponin C1, slow skeletal and cardiac type; minus strand). Cytogenetic location: 3p21.1.
Variant type: single nucleotide variant.
Coding change: c.328G>T on transcript NM_003280.3 (MANE Select); coding-DNA position 328, G replaced by T.
Protein change: p.Gly110Cys; replaces glycine 110 with cysteine.
Molecular consequence: missense variant.
Genome position (GRCh38, 1-based): chr3:52,451,517, C>A on the plus strand (G>T on the coding strand, the complement: TNNC1 is on the minus strand). VCF-style: chr3-52451517-C-A. GRCh37 (hg19) VCF-style: chr3-52485533-C-A.
Other names: c.328G>T (LRG_378t1); short protein forms G110C.
Identifiers: ClinVar variation 579420 (VCV000579420.5), dbSNP rs1559615797, ClinGen allele CA353166143.

ClinVar aggregate classification (germline): Uncertain significance (1 of 4 stars; one submission).

Conditions:
Hypertrophic cardiomyopathy 13. Also called: TNNC1-Related Familial Hypertrophic Cardiomyopathy. Identifiers: MedGen C2750472, MONDO:0013195, OMIM 613243.
Dilated cardiomyopathy 1Z (CMD1Z). Identifiers: Orphanet 154, MedGen C2678475, MONDO:0012745, OMIM 611879.

Submission:

Labcorp Genetics (formerly Invitae), Labcorp
Classification: Uncertain significance for Hypertrophic cardiomyopathy 13; Dilated cardiomyopathy 1Z. Last evaluated: 2018-01-29. Review status: criteria provided, single submitter. Criteria: Invitae Variant Classification Sherloc (09022015). Collection method: clinical testing. Allele origin: germline.
Comment: In summary, the available evidence is currently insufficient to determine the role of this variant in disease. Therefore, it has been classified as a Variant of Uncertain Significance. Algorithms developed to predict the effect of missense changes on protein structure and function (SIFT, PolyPhen-2, Align-GVGD) all suggest that this variant is likely to be disruptive, but these predictions have not been confirmed by published functional studies and their clinical significance is uncertain. This variant has not been reported in the literature in individuals with TNNC1-related disease. This variant is not present in population databases (ExAC no frequency). This sequence change replaces glycine with cysteine at codon 110 of the TNNC1 protein (p.Gly110Cys). The glycine residue is highly conserved and there is a large physicochemical difference between glycine and cysteine.